The following is an entry in ClinVar:

NM_004287.5(GOSR2):c.226G>C (p.Asp76His)

Genes: GOSR2 (golgi SNAP receptor complex member 2; plus strand), LRRC37A2 (leucine rich repeat containing 37 member A2), LOC126862578 (BRD4-independent group 4 enhancer GRCh37_chr17:45008344-45009543; plus strand). Cytogenetic location: 17q21.32.
Variant type: single nucleotide variant.
Coding change: c.226G>C on transcript NM_004287.5 (MANE Select); coding-DNA position 226, G replaced by C.
Protein change: p.Asp76His; replaces aspartic acid 76 with histidine.
Molecular consequence: missense variant. On other transcripts: non-coding transcript variant (3).
Genome position (GRCh38, 1-based): chr17:46,932,089, G>C. VCF-style: chr17-46932089-G-C. GRCh37 (hg19) VCF-style: chr17-45009455-G-C.
Other names: c.226G>C, p.Asp76His (NM_001012511.3, NM_001321133.2, NM_001330252.2 and 1 more transcripts); c.172G>C, p.Asp58His (NM_001321134.2, NM_001363851.2); c.223G>C, p.Asp75His (NM_001353114.2, NM_001353115.2, NM_001353116.2); short protein forms D58H, D75H, D76H.
Identifiers: ClinVar variation 1487198 (VCV001487198.6), dbSNP rs2146912195, ClinGen allele CA400016894.
Genomic context (GRCh38, chr17:46,932,089, plus strand): 5'-AGTTCCTGGAATTTAATCTCTCTCTCCATCAATTCCAGTCGGGTTGACCAGTTAAAGTAT[G>C]ATGTCCAGCACCTGCAGACTGCGCTCAGAAACTTCCAGCATCGGCGCCATGCAAGGGAGC-3'
Protein context (NP_004278.2, residues 66-86): ARLRVDQLKY[Asp76His]VQHLQTALRN

ClinVar aggregate classification (germline): Uncertain significance (1 of 4 stars; one submission).

Conditions:
Progressive myoclonic epilepsy. Also called: Myoclonus epilepsy; Progressive myoclonus epilepsy; Familial progressive myoclonic epilepsy; Myoclonic Epilepsies, Progressive. Identifiers: Orphanet 308, Orphanet 98261, MedGen C0751778, MONDO:0020074.

Allele frequency attached by ClinVar (database versions not stated): gnomAD exomes below 0.00001.
gnomAD v4.1: 1 of 1,613,678 alleles (0.000062%); highest among the groups gnomAD compares: Non-Finnish European, 0.000085%; no homozygotes.

Submission:

Labcorp Genetics (formerly Invitae), Labcorp
Classification: Uncertain significance for Progressive myoclonic epilepsy. Last evaluated: 2022-03-08. Review status: criteria provided, single submitter. Criteria: Invitae Variant Classification Sherloc (09022015). Collection method: clinical testing. Allele origin: germline.
Comment: This variant has not been reported in the literature in individuals affected with GOSR2-related conditions. In summary, the available evidence is currently insufficient to determine the role of this variant in disease. Therefore, it has been classified as a Variant of Uncertain Significance. Algorithms developed to predict the effect of missense changes on protein structure and function (SIFT, PolyPhen-2, Align-GVGD) all suggest that this variant is likely to be disruptive. This variant is not present in population databases (gnomAD no frequency). This sequence change replaces aspartic acid, which is acidic and polar, with histidine, which is basic and polar, at codon 76 of the GOSR2 protein (p.Asp76His).